The following is an entry in ClinVar:

NM_001999.4(FBN2):c.1943T>C (p.Val648Ala)

Gene: FBN2 (fibrillin 2; minus strand). Cytogenetic location: 5q23.3.
Variant type: single nucleotide variant.
Coding change: c.1943T>C on transcript NM_001999.4 (MANE Select); coding-DNA position 1943, T replaced by C.
Protein change: p.Val648Ala; replaces valine 648 with alanine.
Molecular consequence: missense variant.
Genome position (GRCh38, 1-based): chr5:128,376,760, A>G on the plus strand (T>C on the coding strand, the complement: FBN2 is on the minus strand). VCF-style: chr5-128376760-A-G. GRCh37 (hg19) VCF-style: chr5-127712453-A-G.
Other names: c.1943T>C (NM_001999.3); short protein forms V648A.
Identifiers: ClinVar variation 2900764 (VCV002900764.4), dbSNP rs1752087413, ClinGen allele CA360741763.

ClinVar aggregate classification (germline): Uncertain significance. Review status: criteria provided, multiple submitters, no conflicts (2 of 4 stars). 2 submissions from 2 submitters: Uncertain significance (2). Last evaluated 2025-10-23.

Conditions:
Congenital contractural arachnodactyly (CCA). Also called: BEALS SYNDROME; Beals-Hecht syndrome; Arthrogryposis, distal, type 9. Identifiers: Orphanet 115, MedGen C0220668, MONDO:0007363, OMIM 121050.

Allele frequency attached by ClinVar (database versions not stated): gnomAD exomes below 0.00001; TOPMed below 0.00001.
gnomAD v4.1: 5 of 1,613,774 alleles (0.00031%); highest among the groups gnomAD compares: Non-Finnish European, 0.00042%; no homozygotes.

Submissions (2):

Labcorp Genetics (formerly Invitae), Labcorp
Classification: Uncertain significance for Congenital contractural arachnodactyly. Last evaluated: 2025-10-23. Review status: criteria provided, single submitter. Criteria: Invitae Variant Classification Sherloc (09022015). Collection method: clinical testing. Allele origin: germline.
Comment: This sequence change replaces valine, which is neutral and non-polar, with alanine, which is neutral and non-polar, at codon 648 of the FBN2 protein (p.Val648Ala). This variant is not present in population databases (gnomAD no frequency). This variant has not been reported in the literature in individuals affected with FBN2-related conditions. ClinVar contains an entry for this variant (Variation ID: 2900764). Invitae Evidence Modeling of protein sequence and biophysical properties (such as structural, functional, and spatial information, amino acid conservation, physicochemical variation, residue mobility, and thermodynamic stability) indicates that this missense variant is not expected to disrupt FBN2 protein function with a negative predictive value of 80%. In summary, the available evidence is currently insufficient to determine the role of this variant in disease. Therefore, it has been classified as a Variant of Uncertain Significance.

GeneDx
Classification: Uncertain significance. Last evaluated: 2024-09-30. Review status: criteria provided, single submitter. Criteria: GeneDx Variant Classification Process June 2021. Collection method: clinical testing. Allele origin: germline. Affected: yes.
Comment: Has not been previously published as pathogenic or benign to our knowledge; Not observed at significant frequency in large population cohorts (gnomAD); Although located in a calcium-binding EGF-like domain of the FBN2 gene, it does not substitute or introduce a cysteine residue (PMID: 19006240, 18767143); In silico analysis indicates that this missense variant does not alter protein structure/function; This variant is associated with the following publications: (PMID: 19006240, 18767143)